The following is an entry in ClinVar:

NM_001145358.2(SIN3A):c.367G>C (p.Val123Leu)

Gene: SIN3A (SIN3 transcription regulator family member A; minus strand). Cytogenetic location: 15q24.2.
Variant type: single nucleotide variant.
Coding change: c.367G>C on transcript NM_001145358.2 (MANE Select); coding-DNA position 367, G replaced by C.
Protein change: p.Val123Leu; replaces valine 123 with leucine.
Molecular consequence: missense variant.
Genome position (GRCh38, 1-based): chr15:75,414,311, C>G on the plus strand (G>C on the coding strand, the complement: SIN3A is on the minus strand). VCF-style: chr15-75414311-C-G. GRCh37 (hg19) VCF-style: chr15-75706652-C-G.
Other names: c.367G>C, p.Val123Leu (NM_001145357.2, NM_015477.3); short protein forms V123L.
Identifiers: ClinVar variation 2847851 (VCV002847851.3), dbSNP rs2542708023, ClinGen allele CA393454109.

ClinVar aggregate classification (germline): Uncertain significance (1 of 4 stars; one submission).

Submission:

Labcorp Genetics (formerly Invitae), Labcorp
Classification: Uncertain significance. Last evaluated: 2023-10-03. Review status: criteria provided, single submitter. Criteria: Invitae Variant Classification Sherloc (09022015). Collection method: clinical testing. Allele origin: germline.
Comment: This sequence change replaces valine, which is neutral and non-polar, with leucine, which is neutral and non-polar, at codon 123 of the SIN3A protein (p.Val123Leu). This variant is not present in population databases (gnomAD no frequency). This variant has not been reported in the literature in individuals affected with SIN3A-related conditions. An algorithm developed to predict the effect of missense changes on protein structure and function (PolyPhen-2) suggests that this variant is likely to be disruptive. In summary, the available evidence is currently insufficient to determine the role of this variant in disease. Therefore, it has been classified as a Variant of Uncertain Significance.